The following is an entry in ClinVar:

ClinVar aggregate classification (germline): Uncertain significance. Review status: criteria provided, multiple submitters, no conflicts (2 of 4 stars). 2 submissions from 2 submitters: Uncertain significance (2). Last evaluated 2025-12-02.

Conditions:
Common variable immunodeficiency (CVID). Also called: Common variable hypogamma-globulinemia; Common variable agammaglobulinemia. Identifiers: Orphanet 1572, MedGen C0009447, MONDO:0015517.

Allele frequency attached by ClinVar (database versions not stated): gnomAD exomes 0.00001; TOPMed 0.00001; ESP Exome Variant Server 0.00008.
gnomAD v4.1: 13 of 1,612,170 alleles (0.00081%); highest among the groups gnomAD compares: Admixed American, 0.012%; no homozygotes.

Submissions (2):

Labcorp Genetics (formerly Invitae), Labcorp
Classification: Uncertain significance for Common variable immunodeficiency. Last evaluated: 2025-12-02. Review status: criteria provided, single submitter. Criteria: Invitae Variant Classification Sherloc (09022015). Collection method: clinical testing. Allele origin: germline.
Comment: This sequence change replaces alanine, which is neutral and non-polar, with valine, which is neutral and non-polar, at codon 106 of the TNFSF12 protein (p.Ala106Val). This variant is present in population databases (rs369851985, gnomAD 0.01%). This variant has not been reported in the literature in individuals affected with TNFSF12-related conditions. ClinVar contains an entry for this variant (Variation ID: 1345733). An algorithm developed to predict the effect of missense changes on protein structure and function outputs the following: PolyPhen-2: "Benign". The valine amino acid residue is found in multiple mammalian species, which suggests that this missense change does not adversely affect protein function. In summary, the available evidence is currently insufficient to determine the role of this variant in disease. Therefore, it has been classified as a Variant of Uncertain Significance.

Center for Genomics, Ann and Robert H. Lurie Children's Hospital of Chicago
Classification: Uncertain significance. Last evaluated: 2021-06-30. Review status: criteria provided, single submitter. Criteria: ACMG Guidelines, 2015. Collection method: clinical testing. Allele origin: germline.
Comment: TNFSF12 NM_003809.2 exon 4 p.Ala106Val (c.317C>T):This variant has not been reported in the literature and is not present in large control databases. This variant amino acid Valine (Val) is present in >10 species including mammals and is not well conserved among evolutionarily distant species; this suggests that this variant may not impact the protein. Additional computational prediction tools do not suggest an impact. In summary, data on this variant is insufficient for disease classification. Therefore, the clinical significance of this variant is uncertain.

NM_003809.3(TNFSF12):c.317C>T (p.Ala106Val)

Genes: TNFSF12 (TNF superfamily member 12; plus strand), TNFSF12-TNFSF13 (TNFSF12-TNFSF13 readthrough; plus strand). Cytogenetic location: 17p13.1.
Variant type: single nucleotide variant.
Coding change: c.317C>T on transcript NM_003809.3 (MANE Select); coding-DNA position 317, C replaced by T.
Protein change: p.Ala106Val; replaces alanine 106 with valine.
Molecular consequence: missense variant. On other transcripts: non-coding transcript variant (1).
Genome position (GRCh38, 1-based): chr17:7,550,832, C>T. VCF-style: chr17-7550832-C-T. GRCh37 (hg19) VCF-style: chr17-7454149-C-T.
Other names: c.317C>T, p.Ala106Val (NM_172089.4); short protein forms A106V.
Identifiers: ClinVar variation 1345733 (VCV001345733.9), dbSNP rs369851985, ClinGen allele CA8350769.